The following continues an entry in ClinVar:

NM_007194.4(CHEK2):c.190G>A (p.Glu64Lys)

Gene: CHEK2. ClinVar aggregate classification (germline): Conflicting classifications of pathogenicity. Likely pathogenic (14); Established risk allele (1); Uncertain significance (22). ClinVar aggregate classification (oncogenicity): Uncertain significance.

Submissions 37 to 45 of 45:

Illumina Laboratory Services, Illumina
Classification: Uncertain significance for CHEK2-Related Cancer Susceptibility. Last evaluated: 2017-04-27. Review status: criteria provided, single submitter. Criteria: ICSL Variant Classification Criteria 13 December 2019. Collection method: clinical testing. Allele origin: germline.
Comment: This variant was observed as part of a predisposition screen in an ostensibly healthy population. A literature search was performed for the gene, cDNA change, and amino acid change (where applicable). Publications were found based on this search. However, the evidence from the literature, in combination with allele frequency data from public databases where available, was not sufficient to rule this variant in or out of causing disease. Therefore, this variant is classified as a variant of unknown significance.

Neuberg Centre For Genomic Medicine, NCGM
Classification: Uncertain significance for CHEK2-related cancer predisposition. Review status: criteria provided, single submitter. Criteria: ACMG Guidelines, 2015. Collection method: clinical testing. Allele origin: germline. Inheritance: Autosomal dominant inheritance. Affected: yes.
Comment: The missense variant c.190G>A (p.Glu64Lys) in CHEK2 gene has been reported in individuals with breast, ovarian, or prostate cancer (Dong ,et al., 2003) But other functional assays report this variant causes reduced kinase activity and reduced DNA damage response (Roeb, et al 2012).This variant has been reported to the ClinVar database as Uncertain Significance.The p.Glu64Lys variant is novel (not in any individuals) in 1000 Genomes and allele frequency of 0.0001591 is reported in gnomAD. The amino acid Glu at position 64 is changed to a Lys changing protein sequence and it might alter its composition and physicochemical properties.In silico tools predict the variant to be tolerated. The residue is conserved across species. The amino acid change p.Glu64Lys in CHEK2 is predicted as conserved by GERP++ and PhyloP across 100 vertebrates. For these reasons, this variant has been classified as Uncertain Significance.

Diagnostics Centre, Carl Von Ossietzky University Oldenburg
Classification: Uncertain significance for CHEK2-related cancer predisposition. Last evaluated: 2024-08-16. Review status: no assertion criteria provided. Collection method: clinical testing. Allele origin: germline. Affected: yes. Observed: 1 variant allele. Not counted in ClinVar's aggregate classification.
Comment: The variant CHEK2: c.190G>A p.(Glu64Lys), located in the coding exon 2 of CHEK2 gene, results from a guanine to adenine substitution at nucleotide position c.190. The glutamine residue at protein position 64 is replaced by a lysine. In silico tools predict no deleterious effect in the protein structure/function (REVEL = 0,24). The variant has conflicting classification for pathogenicity in ClinVar (ClinVar ID: 128068) with twelve entries for Likely Pathogenic and 19 for variant of uncertain significance. This variant is classified as rare in the overall population (MAF 1,6 * e-4 in gnomAD, v4.1.0). In summary, the variant is classified as variant of uncertain significance.

Cancer Genomics Lab, PINUM Cancer Hospital
Classification: Likely pathogenic for Hereditary cancer-predisposing syndrome. Last evaluated: 2023-05-18. Review status: no assertion criteria provided. Collection method: clinical testing. Allele origin: germline. Affected: yes. Not counted in ClinVar's aggregate classification.

University of Washington Department of Laboratory Medicine, University of Washington
Classification: Likely pathogenic for CHEK2-Related Cancer Susceptibility. Last evaluated: 2019-09-09. Review status: no assertion criteria provided. Collection method: research. Allele origin: germline. Affected: yes. Not counted in ClinVar's aggregate classification.
Comment: This variant has been shown to partially reduce CHEK2 protein kinase activity (PMID 16835864). In a different functional assay system the CHEK2 p.E64K variant was also shown to impact CHEK2 protein function (PMID: 22419737). This variant occurs at a position that is moderately evolutionarily conserved and is predicted to be probably damaging by computer analysis with PolyPhen2 and SIFT. Taken together this variant is considered likely pathogenic. This analysis was performed in conjunction with the family studies as part of the University of Washington Find My Variant study.

CZECANCA consortium
Classification: Likely pathogenic for Breast and/or ovarian cancer. Last evaluated: 2019-06-11. Review status: no assertion criteria provided. Collection method: case-control, clinical testing. Allele origin: germline. Affected: no and yes. Observed: 3 variant alleles. Not counted in ClinVar's aggregate classification.

True Health Diagnostics
Classification: Likely pathogenic for Hereditary cancer-predisposing syndrome. Last evaluated: 2018-03-16. Review status: no assertion criteria provided. Collection method: clinical testing. Allele origin: germline. Not counted in ClinVar's aggregate classification.

Counsyl
Classification: Uncertain significance for Familial cancer of breast. Last evaluated: 2016-06-14. Review status: no assertion criteria provided. Collection method: clinical testing. Allele origin: unknown. Not counted in ClinVar's aggregate classification.

Department of Pathology and Laboratory Medicine, Sinai Health System
Classification: Uncertain significance for Malignant tumor of breast. Review status: no assertion criteria provided. Collection method: clinical testing. Allele origin: unknown. Affected: yes. Study: The Canadian Open Genetics Repository (COGR). Not counted in ClinVar's aggregate classification.
Comment: The CHEK2 p.Glu64Lys variant was identified in 16 of 30462 proband chromosomes (frequency: 0.0005) from individuals or families with breast, prostate, and colon cancer and was also identified in 1 of 1872 control chromosomes from healthy individuals (Desrichard 2011, Balmana 2016, Mandelker 2017, Susswein 2015, Rohlin 2016, Dong 2003, Wu 2006, Kraus 2017, Shirts 2016, Havranek 2015). The variant was also identified in dbSNP (ID: rs141568342) as "With Likely Pathogenic allele", in ClinVar (classified as likely pathogenic by GeneDx and a variant of uncertain significance by Ambry, Invitae, UWDLP, Counsyl and QDNISJC), and Zhejiang University database (3x). The variant was not identified in Cosmic or MutDB databases. The variant was identified in control databases in 44 of 277158 chromosomes at a frequency of 0.00016 (Genome Aggregation Database Feb 27, 2017). It was observed in the following populations: African in 2 of 24020 chromosomes (freq: 0.00008), Latino in 2 of 34420 chromosomes (freq: 0.00006), European Non-Finnish in 38 of 126668 chromosomes (freq: 0.0003), and South Asian in 2 of 30782 chromosomes (freq: 0.00007). The variant was not observed in the â€šÃ„ÃºOtherâ€šÃ„Ã¹, Ashkenazi Jewish, East Asian or Finnish populations. Functional analyses suggesting that this variant is pathogenic have shown reduced phosphorylation and kinase activity as well as loss of DNA damage response (Wu 2006, Roeb 2012). The p.Glu64Lys residue is not conserved in mammals and four out of five computational analyses (PolyPhen-2, SIFT, AlignGVGD, BLOSUM, MutationTaster) do not suggest a high likelihood of impact to the protein; however, this information is not predictive enough to rule out pathogenicity. In summary, based on the above information the clinical significance of this variant cannot be determined with certainty at this time. This variant is classified as a variant of uncertain significance.

Literature cited by the submitters: PubMed 31050813 (cited by 7 submitters); PubMed 22419737 (cited by 11 submitters); PubMed 16835864 (cited by 10 submitters); PubMed 34903604 (cited by 5 submitters); PubMed 37449874 (cited by 4 submitters); PubMed 30851065 (cited by 7 submitters); PubMed 12533788 (cited by 7 submitters); PubMed 22114986 (cited by 9 submitters); PubMed 24082139 (cited by 6 submitters); PubMed 30303537 (cited by 4 submitters); PubMed 30374176 (cited by 3 submitters); PubMed 31159747 (cited by 3 submitters); PubMed 32773770 (cited by Ambry Genetics); PubMed 33471991 (cited by 5 submitters); PubMed 26681312 (cited by 5 submitters); PubMed 26845104 (cited by 6 submitters); PubMed 27616075 (cited by 4 submitters); PubMed 27779110 (cited by 3 submitters); PubMed 28135145 (cited by 4 submitters); PubMed 16941491 (cited by Color Diagnostics, LLC DBA Color Health and Quest Diagnostics Nichols Institute San Juan Capistrano); PubMed 25503501 (cited by Color Diagnostics, LLC DBA Color Health); PubMed 26976419 (cited by 3 submitters); PubMed 27433846 (cited by 4 submitters); PubMed 27696107 (cited by 3 submitters); PubMed 31220302 (cited by Color Diagnostics, LLC DBA Color Health and Mayo Clinic Laboratories, Mayo Clinic); PubMed 32805687 (cited by Color Diagnostics, LLC DBA Color Health and Quest Diagnostics Nichols Institute San Juan Capistrano); PubMed 33606978 (cited by Color Diagnostics, LLC DBA Color Health and Quest Diagnostics Nichols Institute San Juan Capistrano); PubMed 33919281 (cited by 4 submitters); PubMed 35053600 (cited by Color Diagnostics, LLC DBA Color Health and Quest Diagnostics Nichols Institute San Juan Capistrano); PubMed 36011273 (cited by Color Diagnostics, LLC DBA Color Health and Quest Diagnostics Nichols Institute San Juan Capistrano); PubMed 36315097 (cited by Color Diagnostics, LLC DBA Color Health and Quest Diagnostics Nichols Institute San Juan Capistrano); PubMed 32906215 (cited by Quest Diagnostics Nichols Institute San Juan Capistrano and Women's Health and Genetics/Laboratory Corporation of America, LabCorp); PubMed 27621404 (cited by Quest Diagnostics Nichols Institute San Juan Capistrano); PubMed 30322717 (cited by Quest Diagnostics Nichols Institute San Juan Capistrano and Sema4); PubMed 31786208 (cited by Quest Diagnostics Nichols Institute San Juan Capistrano and Women's Health and Genetics/Laboratory Corporation of America, LabCorp); PubMed 25186627 (cited by 3 submitters); PubMed 26506619 (cited by Quest Diagnostics Nichols Institute San Juan Capistrano and Counsyl); PubMed 27067391 (cited by Quest Diagnostics Nichols Institute San Juan Capistrano); PubMed 32923877 (cited by Quest Diagnostics Nichols Institute San Juan Capistrano and Women's Health and Genetics/Laboratory Corporation of America, LabCorp); PubMed 39029294 (cited by Quest Diagnostics Nichols Institute San Juan Capistrano and Women's Health and Genetics/Laboratory Corporation of America, LabCorp); PubMed 35101071 (cited by Quest Diagnostics Nichols Institute San Juan Capistrano); PubMed 34106577 (cited by Quest Diagnostics Nichols Institute San Juan Capistrano); PubMed 35127508 (cited by Quest Diagnostics Nichols Institute San Juan Capistrano); PubMed 28873162 (cited by Quest Diagnostics Nichols Institute San Juan Capistrano); PubMed 34326862 (cited by Quest Diagnostics Nichols Institute San Juan Capistrano); PubMed 37507557 (cited by Quest Diagnostics Nichols Institute San Juan Capistrano); PubMed 38061684 (cited by 3 submitters); PubMed 29555771 (cited by Quest Diagnostics Nichols Institute San Juan Capistrano); PubMed 28779002 (cited by Quest Diagnostics Nichols Institute San Juan Capistrano); PubMed 28726808 (cited by Women's Health and Genetics/Laboratory Corporation of America, LabCorp); PubMed 30447919 (cited by Women's Health and Genetics/Laboratory Corporation of America, LabCorp); PubMed 31398194 (cited by Women's Health and Genetics/Laboratory Corporation of America, LabCorp); PubMed 28825054 (cited by Women's Health and Genetics/Laboratory Corporation of America, LabCorp); PubMed 31980526 (cited by Women's Health and Genetics/Laboratory Corporation of America, LabCorp); PubMed 25085752 (cited by Myriad Genetics, Inc.); PubMed 32295079 (cited by CZECANCA consortium).